The following is an entry in ClinVar:

ClinVar aggregate classification (germline): Uncertain significance (1 of 4 stars; one submission).

Submission:

GeneDx
Classification: Uncertain significance. Last evaluated: 2024-01-14. Review status: criteria provided, single submitter. Criteria: GeneDx Variant Classification Process June 2021. Collection method: clinical testing. Allele origin: germline. Affected: yes.
Comment: Not observed at significant frequency in large population cohorts (gnomAD); Frameshift variant predicted to result in abnormal protein length as the last 8 amino acids are replaced with 35 different amino acids; Has not been previously published as pathogenic or benign to our knowledge

NM_017757.3(ZNF407):c.6722_6725del (p.Glu2241fs)

Gene: ZNF407 (zinc finger protein 407; plus strand). Cytogenetic location: 18q22.3.
Variant type: Deletion.
Coding change: c.6722_6725del on transcript NM_017757.3 (MANE Select); coding-DNA positions 6722 to 6725, 4 bases deleted (AAAG; older notation c.6722_6725delAAAG).
Protein change: p.Glu2241fs; shifts the reading frame from glutamic acid 2241.
Molecular consequence: frameshift variant.
Genome position (GRCh38, 1-based): chr18:75,064,443-75,064,446, AAAG deleted; deleting any 4 consecutive bases within chr18:75,064,441-75,064,446 gives the same sequence; the c. name uses the placement nearest the transcript's 3' end. VCF-style (leftmost placement, unchanged base first): chr18-75064440-GAGAA-G. GRCh37 (hg19) VCF-style: chr18-72776396-GAGAA-G.
Other names: c.6722_6725del, p.Glu2241fs (NM_001384475.1); short protein forms E2241fs.
Identifiers: ClinVar variation 3367808 (VCV003367808.1).
Genomic context (GRCh38, chr18:75,064,440, plus strand): 5'-CCAGCGTGGTCATCTACACCCAGGAGGGCTCCTCGGCCGCGGCGGCAATTCAGAGCCAAA[GAGAA>G]AGCAGCGAACTCCAGGAAGCATGAGACGCGCGGCACCTTTACTCAGCACAGGGCAGGTGT-3'